The following is an entry in ClinVar:

ClinVar aggregate classification (germline): Conflicting classifications of pathogenicity. Review status: criteria provided, conflicting classifications (1 of 4 stars). 3 submissions from 3 submitters: Uncertain significance (2); Likely benign (1). Last evaluated 2026-09-01.

Conditions:
Inborn genetic diseases. Identifiers: MedGen C0950123, MeSH D030342.
Townes syndrome (TBS). Also called: Townes-Brocks syndrome. Identifiers: Orphanet 857, MedGen C0265246, MeSH C536974, MONDO:0007142.

Allele frequency attached by ClinVar (database versions not stated): ExAC 0.00001; gnomAD exomes 0.00001 and 0.00002; TOPMed 0.00001.
gnomAD v4.1: 23 of 1,614,100 alleles (0.0014%); highest among the groups gnomAD compares: Non-Finnish European, 0.0019%; no homozygotes.

Submissions (3):

CeGaT Center for Human Genetics Tuebingen
Classification: Likely benign. Last evaluated: 2026-09-01. Review status: criteria provided, single submitter. Criteria: CeGaT Center For Human Genetics Tuebingen Variant Classification Criteria Version 2. Collection method: clinical testing. Allele origin: germline. Affected: yes. Observed: 1 variant allele.
Comment: SALL1: BP4

Ambry Genetics
Classification: Uncertain significance for Inborn genetic diseases. Last evaluated: 2024-01-17. Review status: criteria provided, single submitter. Criteria: Ambry Variant Classification Scheme 2023. Collection method: clinical testing. Allele origin: germline.

Labcorp Genetics (formerly Invitae), Labcorp
Classification: Uncertain significance for Townes syndrome. Last evaluated: 2021-06-23. Review status: criteria provided, single submitter. Criteria: Invitae Variant Classification Sherloc (09022015). Collection method: clinical testing. Allele origin: germline.
Comment: This sequence change replaces threonine with isoleucine at codon 631 of the SALL1 protein (p.Thr631Ile). The threonine residue is weakly conserved and there is a moderate physicochemical difference between threonine and isoleucine. This variant is present in population databases (rs768794489, ExAC 0.002%). This variant has not been reported in the literature in individuals affected with SALL1-related conditions. Algorithms developed to predict the effect of missense changes on protein structure and function output the following: SIFT: "Deleterious"; PolyPhen-2: "Benign"; Align-GVGD: "Class C0". The isoleucine amino acid residue is found in multiple mammalian species, which suggests that this missense change does not adversely affect protein function. In summary, the available evidence is currently insufficient to determine the role of this variant in disease. Therefore, it has been classified as a Variant of Uncertain Significance.

NM_002968.3(SALL1):c.1892C>T (p.Thr631Ile)

Gene: SALL1 (spalt like transcription factor 1; minus strand). Cytogenetic location: 16q12.1.
Variant type: single nucleotide variant.
Coding change: c.1892C>T on transcript NM_002968.3 (MANE Select); coding-DNA position 1892, C replaced by T.
Protein change: p.Thr631Ile; replaces threonine 631 with isoleucine.
Molecular consequence: missense variant.
Genome position (GRCh38, 1-based): chr16:51,140,330, G>A on the plus strand (C>T on the coding strand, the complement: SALL1 is on the minus strand). VCF-style: chr16-51140330-G-A. GRCh37 (hg19) VCF-style: chr16-51174241-G-A.
Other names: c.1601C>T, p.Thr534Ile (NM_001127892.2); c.1892C>T (NM_002968.2); short protein forms T534I, T631I.
Identifiers: ClinVar variation 1510679 (VCV001510679.10), dbSNP rs768794489, ClinGen allele CA8053212.